The following is an entry in ClinVar:

NM_130837.3(OPA1):c.-10C>T

Gene: OPA1 (OPA1 mitochondrial dynamin like GTPase; plus strand). Cytogenetic location: 3q29.
Variant type: single nucleotide variant.
Coding change: c.-10C>T on transcript NM_130837.3 (MANE Select); 10 bases upstream of the start codon, C replaced by T.
Molecular consequence: 5 prime UTR variant.
Genome position (GRCh38, 1-based): chr3:193,593,368, C>T. VCF-style: chr3-193593368-C-T. GRCh37 (hg19) VCF-style: chr3-193311157-C-T.
Other names: c.-440C>T (NM_001354663.2, NM_001354664.2); c.-10C>T (NM_015560.3, NM_130831.3, NM_130832.3 and 4 more transcripts).
Identifiers: ClinVar variation 378310 (VCV000378310.6), dbSNP rs775614028, ClinGen allele CA2758884.
Genomic context (GRCh38, chr3:193,593,368, plus strand): 5'-CCGGGCTGGGGCTCACACGGGGGCTCCCGCGTGGCCGTCTCGGCGCCTGCGTGACCTCCC[C>T]GCCGGCGGGATGTGGCGACTACGTCGGGCCGCTGTGGCCTGGTAAGTGCAGGCTCTAATC-3'

ClinVar aggregate classification (germline): Conflicting classifications of pathogenicity. Review status: criteria provided, conflicting classifications (1 of 4 stars). 3 submissions from 3 submitters: Uncertain significance (2); Likely benign (1). Last evaluated 2024-06-28.

Conditions:
Autosomal dominant optic atrophy classic form (OPA1). Also called: Optic Atrophy Type 1; KJER-TYPE OPTIC ATROPHY; OPTIC ATROPHY, JUVENILE. Identifiers: Orphanet 98673, MedGen C0338508, MONDO:0008134, OMIM 165500.

Allele frequency attached by ClinVar (database versions not stated): ExAC below 0.00001; gnomAD 0.00001; gnomAD exomes 0.00002; TOPMed 0.00003.
gnomAD v4.1: 67 of 1,545,836 alleles (0.0043%); highest among the groups gnomAD compares: Middle Eastern, 0.18%; no homozygotes.

Submissions (3):

Blueprint Genetics
Classification: Uncertain significance. Last evaluated: 2024-06-28. Review status: criteria provided, single submitter. Criteria: ACMG Guidelines, 2015. Collection method: clinical testing. Allele origin: germline.

Illumina Laboratory Services, Illumina
Classification: Uncertain significance for Autosomal dominant optic atrophy classic form. Last evaluated: 2017-04-27. Review status: criteria provided, single submitter. Criteria: ICSL Variant Classification Criteria 13 December 2019. Collection method: clinical testing. Allele origin: germline.

GeneDx
Classification: Likely benign. Last evaluated: 2015-12-07. Review status: criteria provided, single submitter. Criteria: GeneDx Variant Classification (06012015). Collection method: clinical testing. Allele origin: germline. Affected: yes.
Comment: This variant is considered likely benign or benign based on one or more of the following criteria: it is a conservative change, it occurs at a poorly conserved position in the protein, it is predicted to be benign by multiple in silico algorithms, and/or has population frequency not consistent with disease.